The following is an entry in ClinVar:

NM_177986.5(DSG4):c.1655C>A (p.Thr552Lys)

Genes: DSG1-AS1 (DSG1 antisense RNA 1; minus strand), DSG4 (desmoglein 4; plus strand). Cytogenetic location: 18q12.1.
Variant type: single nucleotide variant.
Coding change: c.1655C>A on transcript NM_177986.5 (MANE Select); coding-DNA position 1655, C replaced by A.
Protein change: p.Thr552Lys; replaces threonine 552 with lysine.
Molecular consequence: missense variant.
Genome position (GRCh38, 1-based): chr18:31,406,095, C>A. VCF-style: chr18-31406095-C-A. GRCh37 (hg19) VCF-style: chr18-28986058-C-A.
Other names: c.1655C>A (NM_177986.4); c.1655C>A, p.Thr552Lys (NM_001134453.3); short protein forms T552K.
Identifiers: ClinVar variation 891787 (VCV000891787.9), dbSNP rs200288878, ClinGen allele CA8927067.

ClinVar aggregate classification (germline): Conflicting classifications of pathogenicity. Review status: criteria provided, conflicting classifications (1 of 4 stars). 3 submissions from 3 submitters: Uncertain significance (1); Benign (1). 1 of the submissions does not count toward it. Last evaluated 2024-01-07.

Conditions:
DSG4-related disorder. Also called: DSG4-related condition.
Hypotrichosis 6 (HYPT6). Also called: MONILETHRIX-LIKE HYPOTRICHOSIS; HYPOTRICHOSIS, LOCALIZED, AUTOSOMAL RECESSIVE 1. Identifiers: Orphanet 55654, MedGen C1842839, MONDO:0011932, OMIM 607903.

Allele frequency attached by ClinVar (database versions not stated): 1000 Genomes Project 30x 0.00156; 1000 Genomes Project 0.00160.
gnomAD v4.1: 622 of 1,613,928 alleles (0.039%); highest among the groups gnomAD compares: South Asian, 0.67%; 7 homozygotes.

Submissions (3):

Labcorp Genetics (formerly Invitae), Labcorp
Classification: Benign. Last evaluated: 2024-01-07. Review status: criteria provided, single submitter. Criteria: Invitae Variant Classification Sherloc (09022015). Collection method: clinical testing. Allele origin: germline.

Illumina Laboratory Services, Illumina
Classification: Uncertain significance for Hypotrichosis 6. Last evaluated: 2018-01-13. Review status: criteria provided, single submitter. Criteria: ICSL Variant Classification Criteria 13 December 2019. Collection method: clinical testing. Allele origin: germline.

PreventionGenetics, part of Exact Sciences
Classification: Likely benign for DSG4-related condition. Last evaluated: 2019-10-03. Review status: no assertion criteria provided. Collection method: clinical testing. Allele origin: germline. Not counted in ClinVar's aggregate classification.
Comment: This variant is classified as likely benign based on ACMG/AMP sequence variant interpretation guidelines (Richards et al. 2015 PMID: 25741868, with internal and published modifications).